The following is an entry in ClinVar:

NM_000132.4(F8):c.1444-22T>C

Gene: F8 (coagulation factor VIII; minus strand). Cytogenetic location: Xq28.
Variant type: single nucleotide variant.
Coding change: c.1444-22T>C on transcript NM_000132.4 (MANE Select); 22 bases into the intron before coding-DNA position 1444, T replaced by C.
Molecular consequence: intron variant.
Genome position (GRCh38, 1-based): chrX:154,961,190, A>G on the plus strand (T>C on the coding strand, the complement: F8 is on the minus strand). VCF-style: chrX-154961190-A-G. GRCh37 (hg19) VCF-style: chrX-154189465-A-G.
Other names: p.?.
Identifiers: ClinVar variation 439684 (VCV000439684.14), dbSNP rs5986899, ClinGen allele CA10568457.

ClinVar aggregate classification (germline): Benign/Likely benign. Review status: criteria provided, multiple submitters, no conflicts (2 of 4 stars). 4 submissions from 4 submitters: Benign (2); Likely benign (1). 1 of the submissions does not count toward it. Last evaluated 2024-11-13.

Conditions:
F8-related disorder. Also called: F8-related condition.
Hereditary factor VIII deficiency disease (HEMA). Also called: AUTOSOMAL HEMOPHILIA A; HEMOPHILIA, CLASSIC; Hemophilia A; Hemophilia A, congenital; HEM A; Factor 8 deficiency, congenital. Identifiers: Orphanet 98878, MedGen C0019069, MONDO:0010602, OMIM 306700.

Allele frequency attached by ClinVar (database versions not stated): gnomAD exomes 0.00109 and 0.00293; ExAC 0.00391; gnomAD 0.00999 and 0.01075; 1000 Genomes Project 30x 0.01061; 1000 Genomes Project 0.01113; TOPMed 0.01189; ESP Exome Variant Server 0.01212.
gnomAD v4.1: 2,182 of 1,048,583 alleles (0.21%); highest among the groups gnomAD compares: African/African-American, 3.6%; 23 homozygotes.

Submissions (4):

Blueprint Genetics
Classification: Likely benign. Last evaluated: 2024-11-13. Review status: criteria provided, single submitter. Criteria: ACMG Guidelines, 2015. Collection method: clinical testing. Allele origin: germline.

Mayo Clinic Laboratories, Mayo Clinic
Classification: Benign. Last evaluated: 2023-01-27. Review status: criteria provided, single submitter. Criteria: ACMG Guidelines, 2015. Collection method: clinical testing. Allele origin: germline. Observed: 4 variant alleles.
Comment: BS1, BS2, BP4, BP7

ARUP Laboratories, Molecular Genetics and Genomics, ARUP Laboratories
Classification: Benign for Hereditary factor VIII deficiency disease. Last evaluated: 2019-11-11. Review status: criteria provided, single submitter. Criteria: ARUP Molecular Germline Variant Investigation Process. Collection method: clinical testing. Allele origin: germline.

PreventionGenetics, part of Exact Sciences
Classification: Likely benign for F8-related condition. Last evaluated: 2023-07-26. Review status: no assertion criteria provided. Collection method: clinical testing. Allele origin: germline. Not counted in ClinVar's aggregate classification.
Comment: This variant is classified as likely benign based on ACMG/AMP sequence variant interpretation guidelines (Richards et al. 2015 PMID: 25741868, with internal and published modifications).